The following is an entry in ClinVar:

ClinVar aggregate classification (germline): Conflicting classifications of pathogenicity. Review status: criteria provided, conflicting classifications (1 of 4 stars). 5 submissions from 5 submitters: Uncertain significance (4); Likely benign (1). Last evaluated 2026-04-28.

Conditions:
Cardiovascular phenotype. Identifiers: MedGen CN230736.
Alstrom syndrome (ALMS). Identifiers: Orphanet 64, MedGen C0268425, MONDO:0008763, OMIM 203800.

Allele frequency attached by ClinVar (database versions not stated): ExAC 0.00006; gnomAD exomes 0.00014 and 0.00005; gnomAD 0.00007; TOPMed 0.00009.
gnomAD v4.1: 222 of 1,613,818 alleles (0.014%); highest among the groups gnomAD compares: Non-Finnish European, 0.017%; no homozygotes.

Submissions (5):

GeneDx
Classification: Uncertain significance. Last evaluated: 2026-04-28. Review status: criteria provided, single submitter. Criteria: GeneDx Variant Classification Process June 2021. Collection method: clinical testing. Allele origin: germline.
Comment: Not observed at significant frequency in large population cohorts (gnomAD); In silico analysis suggests that this missense variant does not alter protein structure/function; Has not been previously published as pathogenic or benign to our knowledge

Ambry Genetics
Classification: Likely benign for Cardiovascular phenotype. Last evaluated: 2024-01-02. Review status: criteria provided, single submitter. Criteria: Ambry Variant Classification Scheme 2023. Collection method: clinical testing. Allele origin: germline.

Labcorp Genetics (formerly Invitae), Labcorp
Classification: Uncertain significance for Alstrom syndrome. Last evaluated: 2022-09-13. Review status: criteria provided, single submitter. Criteria: Invitae Variant Classification Sherloc (09022015). Collection method: clinical testing. Allele origin: germline.
Comment: This sequence change replaces serine, which is neutral and polar, with leucine, which is neutral and non-polar, at codon 326 of the ALMS1 protein (p.Ser326Leu). This variant is present in population databases (rs376632767, gnomAD 0.009%). This variant has not been reported in the literature in individuals affected with ALMS1-related conditions. ClinVar contains an entry for this variant (Variation ID: 1352853). Algorithms developed to predict the effect of missense changes on protein structure and function output the following: SIFT: "Not Available"; PolyPhen-2: "Not Available"; Align-GVGD: "Not Available". The leucine amino acid residue is found in multiple mammalian species, which suggests that this missense change does not adversely affect protein function. In summary, the available evidence is currently insufficient to determine the role of this variant in disease. Therefore, it has been classified as a Variant of Uncertain Significance.

Fulgent Genetics
Classification: Uncertain significance for Alstrom syndrome. Last evaluated: 2022-04-17. Review status: criteria provided, single submitter. Criteria: ACMG Guidelines, 2015. Collection method: clinical testing. Allele origin: unknown.

Victorian Clinical Genetics Services, Murdoch Childrens Research Institute
Classification: Uncertain significance for Alstrom syndrome. Last evaluated: 2022-02-02. Review status: criteria provided, single submitter. Criteria: ACMG Guidelines, 2015. Collection method: clinical testing. Allele origin: germline. Inheritance: Autosomal recessive inheritance.
Comment: Based on the classification scheme VCGS_Germline_v1.3.4, this variant is classified as VUS-3C. Following criteria are met: 0102 - Loss of function is a known mechanism of disease in this gene and is associated with Alstrom syndrome (MIM#203800). (I) 0106 - This gene is associated with autosomal recessive disease. (I) 0200 - Variant is predicted to result in a missense amino acid change from serine to leucine. (I) 0251 - This variant is heterozygous. (I) 0304 - Variant is present in gnomAD <0.01 for a recessive condition (v2: 14 heterozygotes, 0 homozygotes). (SP) 0309 - An alternative amino acid change at the same position has been observed in gnomAD (v2) (p.(Ser325Pro): 1 heterozygote, 0 homozygotes). (I) 0503 - Missense variant consistently predicted to be tolerated by multiple in silico tools or not conserved in placental mammals with a minor amino acid change. (SB) 0604 - Variant is not located in an established domain, motif, hotspot or informative constraint region. (I) 0705 - No comparable missense variants have previous evidence for pathogenicity. (I) 0807 - This variant has no previous evidence of pathogenicity. (I) 0905 - No published segregation evidence has been identified for this variant. (I) 1007 - No published functional evidence has been identified for this variant. (I) 1208 - Inheritance information for this variant is not currently available in this individual. (I) Legend: (SP) - Supporting pathogenic, (I) - Information, (SB) - Supporting benign

NM_001378454.1(ALMS1):c.974C>T (p.Ser325Leu)

Gene: ALMS1 (ALMS1 centrosome and basal body associated protein; plus strand). Cytogenetic location: 2p13.1.
Variant type: single nucleotide variant.
Coding change: c.974C>T on transcript NM_001378454.1 (MANE Select); coding-DNA position 974, C replaced by T.
Protein change: p.Ser325Leu; replaces serine 325 with leucine.
Molecular consequence: missense variant.
Genome position (GRCh38, 1-based): chr2:73,424,639, C>T. VCF-style: chr2-73424639-C-T. GRCh37 (hg19) VCF-style: chr2-73651767-C-T.
Other names: c.977C>T, p.Ser326Leu (NM_015120.4); short protein forms S326L, S325L.
Identifiers: ClinVar variation 1352853 (VCV001352853.11), dbSNP rs376632767, ClinGen allele CA1713024.